The following is an entry in ClinVar:

NM_003784.4(SERPINB7):c.986T>G (p.Val329Gly)

Gene: SERPINB7 (serpin family B member 7; plus strand). Cytogenetic location: 18q21.33.
Variant type: single nucleotide variant.
Coding change: c.986T>G on transcript NM_003784.4 (MANE Select); coding-DNA position 986, T replaced by G.
Protein change: p.Val329Gly; replaces valine 329 with glycine.
Molecular consequence: missense variant.
Genome position (GRCh38, 1-based): chr18:63,804,478, T>G. VCF-style: chr18-63804478-T-G. GRCh37 (hg19) VCF-style: chr18-61471712-T-G.
Other names: c.986T>G, p.Val329Gly (NM_001040147.3, NM_001261830.2); c.935T>G, p.Val312Gly (NM_001261831.2); short protein forms V329G, V312G.
Identifiers: ClinVar variation 871598 (VCV000871598.46), dbSNP rs746145064, ClinGen allele CA8989581.

ClinVar aggregate classification (germline): Uncertain significance. Review status: criteria provided, multiple submitters, no conflicts (2 of 4 stars). 2 submissions from 2 submitters: Uncertain significance (2). Last evaluated 2022-09-13.

Allele frequency attached by ClinVar (database versions not stated): gnomAD exomes below 0.00001; ExAC 0.00001; gnomAD 0.00001; TOPMed 0.00001.
gnomAD v4.1: 22 of 1,613,574 alleles (0.0014%); highest among the groups gnomAD compares: Non-Finnish European, 0.0015%; no homozygotes.

Submissions (2):

Labcorp Genetics (formerly Invitae), Labcorp
Classification: Uncertain significance. Last evaluated: 2022-09-13. Review status: criteria provided, single submitter. Criteria: Invitae Variant Classification Sherloc (09022015). Collection method: clinical testing. Allele origin: germline.
Comment: Algorithms developed to predict the effect of missense changes on protein structure and function are either unavailable or do not agree on the potential impact of this missense change (SIFT: "Deleterious"; PolyPhen-2: "Probably Damaging"; Align-GVGD: "Class C0"). ClinVar contains an entry for this variant (Variation ID: 871598). This variant has not been reported in the literature in individuals affected with SERPINB7-related conditions. This variant is present in population databases (rs746145064, gnomAD 0.004%). This sequence change replaces valine, which is neutral and non-polar, with glycine, which is neutral and non-polar, at codon 329 of the SERPINB7 protein (p.Val329Gly). In summary, the available evidence is currently insufficient to determine the role of this variant in disease. Therefore, it has been classified as a Variant of Uncertain Significance.

CeGaT Center for Human Genetics Tuebingen
Classification: Uncertain significance. Last evaluated: 2019-09-01. Review status: criteria provided, single submitter. Criteria: CeGaT Center For Human Genetics Tuebingen Variant Classification Criteria Version 2. Collection method: clinical testing. Allele origin: germline. Affected: yes. Observed: 1 variant allele.